The following is an entry in ClinVar:

ClinVar aggregate classification (germline): Uncertain significance (1 of 4 stars; one submission).

gnomAD v4.1: 2 of 1,613,156 alleles (0.00012%); highest among the groups gnomAD compares: Non-Finnish European, 0.000085%; no homozygotes.

Submission:

Labcorp Genetics (formerly Invitae), Labcorp
Classification: Uncertain significance. Last evaluated: 2023-04-12. Review status: criteria provided, single submitter. Criteria: Invitae Variant Classification Sherloc (09022015). Collection method: clinical testing. Allele origin: germline.
Comment: This variant has not been reported in the literature in individuals affected with TGFB1-related conditions. In summary, the available evidence is currently insufficient to determine the role of this variant in disease. Therefore, it has been classified as a Variant of Uncertain Significance. Advanced modeling of protein sequence and biophysical properties (such as structural, functional, and spatial information, amino acid conservation, physicochemical variation, residue mobility, and thermodynamic stability) performed at Invitae indicates that this missense variant is not expected to disrupt TGFB1 protein function. This variant is not present in population databases (gnomAD no frequency). This sequence change replaces glutamic acid, which is acidic and polar, with glutamine, which is neutral and polar, at codon 98 of the TGFB1 protein (p.Glu98Gln).

NM_000660.7(TGFB1):c.292G>C (p.Glu98Gln)

Genes: TGFB1 (transforming growth factor beta 1; minus strand), LOC130064510 (ATAC-STARR-seq lymphoblastoid silent region 10661; plus strand). Cytogenetic location: 19q13.2.
Variant type: single nucleotide variant.
Coding change: c.292G>C on transcript NM_000660.7 (MANE Select); coding-DNA position 292, G replaced by C.
Protein change: p.Glu98Gln; replaces glutamic acid 98 with glutamine.
Molecular consequence: missense variant.
Genome position (GRCh38, 1-based): chr19:41,352,753, C>G on the plus strand (G>C on the coding strand, the complement: TGFB1 is on the minus strand). VCF-style: chr19-41352753-C-G. GRCh37 (hg19) VCF-style: chr19-41858658-C-G.
Other names: short protein forms E98Q.
Identifiers: ClinVar variation 3020729 (VCV003020729.3), dbSNP rs761100949, ClinGen allele CA406005066.